The following is an entry in ClinVar:

ClinVar aggregate classification (germline): Uncertain significance (1 of 4 stars; one submission).

Allele frequency attached by ClinVar (database versions not stated): gnomAD exomes below 0.00001; ExAC 0.00001.
gnomAD v4.1: 1 of 1,614,146 alleles (0.000062%); highest among the groups gnomAD compares: East Asian, 0.0022%; no homozygotes.

Submission:

Labcorp Genetics (formerly Invitae), Labcorp
Classification: Uncertain significance. Last evaluated: 2023-12-11. Review status: criteria provided, single submitter. Criteria: Invitae Variant Classification Sherloc (09022015). Collection method: clinical testing. Allele origin: germline.
Comment: This sequence change replaces lysine, which is basic and polar, with arginine, which is basic and polar, at codon 406 of the GABRB1 protein (p.Lys406Arg). This variant is present in population databases (rs771871274, gnomAD 0.006%). This variant has not been reported in the literature in individuals affected with GABRB1-related conditions. Advanced modeling of protein sequence and biophysical properties (such as structural, functional, and spatial information, amino acid conservation, physicochemical variation, residue mobility, and thermodynamic stability) performed at Invitae indicates that this missense variant is not expected to disrupt GABRB1 protein function with a negative predictive value of 95%. In summary, the available evidence is currently insufficient to determine the role of this variant in disease. Therefore, it has been classified as a Variant of Uncertain Significance.

NM_000812.4(GABRB1):c.1217A>G (p.Lys406Arg)

Gene: GABRB1 (gamma-aminobutyric acid type A receptor subunit beta1; plus strand). Cytogenetic location: 4p12.
Variant type: single nucleotide variant.
Coding change: c.1217A>G on transcript NM_000812.4 (MANE Select); coding-DNA position 1217, A replaced by G.
Protein change: p.Lys406Arg; replaces lysine 406 with arginine.
Molecular consequence: missense variant.
Genome position (GRCh38, 1-based): chr4:47,425,810, A>G. VCF-style: chr4-47425810-A-G. GRCh37 (hg19) VCF-style: chr4-47427827-A-G.
Other names: short protein forms K406R.
Identifiers: ClinVar variation 2765973 (VCV002765973.3), dbSNP rs771871274, ClinGen allele CA2907778.